The following is an entry in ClinVar:

NM_001142800.2(EYS):c.961C>T (p.Pro321Ser)

Gene: EYS (EGF-like photoreceptor maintenance factor; minus strand). Cytogenetic location: 6q12.
Variant type: single nucleotide variant.
Coding change: c.961C>T on transcript NM_001142800.2 (MANE Select); coding-DNA position 961, C replaced by T.
Protein change: p.Pro321Ser; replaces proline 321 with serine.
Molecular consequence: missense variant.
Genome position (GRCh38, 1-based): chr6:65,405,269, G>A on the plus strand (C>T on the coding strand, the complement: EYS is on the minus strand). VCF-style: chr6-65405269-G-A. GRCh37 (hg19) VCF-style: chr6-66115162-G-A.
Other names: c.961C>T, p.Pro321Ser (NM_001142801.2, NM_001292009.2, NM_198283.2); short protein forms P321S.
Identifiers: ClinVar variation 1484827 (VCV001484827.8), dbSNP rs748052858, ClinGen allele CA3877915.

ClinVar aggregate classification (germline): Uncertain significance (1 of 4 stars; one submission).

Allele frequency attached by ClinVar (database versions not stated): ExAC 0.00001; gnomAD 0.00001.
gnomAD v4.1: 2 of 1,612,672 alleles (0.00012%); highest among the groups gnomAD compares: African/African-American, 0.0027%; no homozygotes.

Submission:

Labcorp Genetics (formerly Invitae), Labcorp
Classification: Uncertain significance. Last evaluated: 2022-12-02. Review status: criteria provided, single submitter. Criteria: Invitae Variant Classification Sherloc (09022015). Collection method: clinical testing. Allele origin: germline.
Comment: This sequence change replaces proline, which is neutral and non-polar, with serine, which is neutral and polar, at codon 321 of the EYS protein (p.Pro321Ser). ClinVar contains an entry for this variant (Variation ID: 1484827). This variant has not been reported in the literature in individuals affected with EYS-related conditions. This variant is present in population databases (rs748052858, gnomAD 0.007%). In summary, the available evidence is currently insufficient to determine the role of this variant in disease. Therefore, it has been classified as a Variant of Uncertain Significance. Algorithms developed to predict the effect of missense changes on protein structure and function (SIFT, PolyPhen-2, Align-GVGD) all suggest that this variant is likely to be tolerated.